The following is an entry in ClinVar:

ClinVar aggregate classification (germline): Likely benign (1 of 4 stars; one submission).

gnomAD v4.1: 53 of 1,613,978 alleles (0.0033%); highest among the groups gnomAD compares: African/African-American, 0.008%; 1 homozygote.

Submission:

CeGaT Center for Human Genetics Tuebingen
Classification: Likely benign. Last evaluated: 2024-01-01. Review status: criteria provided, single submitter. Criteria: CeGaT Center For Human Genetics Tuebingen Variant Classification Criteria Version 2. Collection method: clinical testing. Allele origin: germline. Affected: yes. Observed: 1 variant allele.
Comment: SLC45A1: BP4, BP7

NM_001080397.3(SLC45A1):c.1695G>C (p.Ala565=)

Gene: SLC45A1 (solute carrier family 45 member 1; plus strand). Cytogenetic location: 1p36.23.
Variant type: single nucleotide variant.
Coding change: c.1695G>C on transcript NM_001080397.3 (MANE Select); coding-DNA position 1695, G replaced by C.
Protein change: p.Ala565=; no amino-acid change (alanine 565 retained).
Molecular consequence: synonymous variant.
Genome position (GRCh38, 1-based): chr1:8,337,913, G>C. VCF-style: chr1-8337913-G-C. GRCh37 (hg19) VCF-style: chr1-8397973-G-C.
Other names: c.1719G>C, p.Ala573= (NM_001379614.1); c.1626G>C, p.Ala542= (NM_001379615.1); c.1602G>C, p.Ala534= (NM_001379616.1); c.1113G>C, p.Ala371= (NM_001379617.1); c.1089G>C, p.Ala363= (NM_001379618.1).
Identifiers: ClinVar variation 3024733 (VCV003024733.22), dbSNP rs142256672, ClinGen allele CA570483.
Genomic context (GRCh38, chr1:8,337,913, plus strand): 5'-AGACTTCATGGGCGAGGTGGTGTTTCAGGGGGACCCCAAGGCCCCGCACACATCAGAGGC[G>C]TATCAGAAGTACAACAGCGGCGTGACCATGGGCTGCTGGGGCATGTGTATCTACGCCTTC-3'
Protein context (NP_001073866.3, residues 555-575): GDPKAPHTSE[Ala565=]YQKYNSGVTM